The following is an entry in ClinVar:

NM_000089.4(COL1A2):c.3600C>T (p.Gly1200=)

Gene: COL1A2 (collagen type I alpha 2 chain; plus strand). Cytogenetic location: 7q21.3.
Variant type: single nucleotide variant.
Coding change: c.3600C>T on transcript NM_000089.4 (MANE Select); coding-DNA position 3600, C replaced by T.
Protein change: p.Gly1200=; no amino-acid change (glycine 1200 retained).
Molecular consequence: synonymous variant.
Genome position (GRCh38, 1-based): chr7:94,428,366, C>T. VCF-style: chr7-94428366-C-T. GRCh37 (hg19) VCF-style: chr7-94057678-C-T.
Identifiers: ClinVar variation 668186 (VCV000668186.12), dbSNP rs777362679, ClinGen allele CA4347795.

ClinVar aggregate classification (germline): Likely benign. Review status: criteria provided, multiple submitters, no conflicts (2 of 4 stars). 6 submissions from 6 submitters: Likely benign (5). 1 of the submissions does not count toward it. Last evaluated 2025-03-07.

Conditions:
COL1A2-related disorder. Also called: COL1A2-Related Disorders; COL1A2-related condition.
Osteogenesis imperfecta type I (OI1). Also called: OI, TYPE I; OSTEOGENESIS IMPERFECTA TARDA; OSTEOGENESIS IMPERFECTA WITH BLUE SCLERAE; Osteogenesis imperfecta type 1; Classic Non-deforming Osteogenesis Imperfecta with Blue Sclerae; Lobstein's Disease. Identifiers: Orphanet 216796, Orphanet 666, MedGen C0023931, MONDO:0008146, OMIM 166200. Disease mechanism: loss of function.
Ehlers-Danlos syndrome, classic type, 1 (EDSCL1). Also called: EDS I; EHLERS-DANLOS SYNDROME, GRAVIS TYPE; EHLERS-DANLOS SYNDROME, SEVERE CLASSIC TYPE; Ehlers-Danlos Syndrome, Classic Type, COL5A1-Related; Ehlers-Danlos syndrome, type 1. Identifiers: MedGen C0268335, MONDO:0019567, OMIM 130000.
Cardiovascular phenotype. Identifiers: MedGen CN230736.

Allele frequency attached by ClinVar (database versions not stated): gnomAD 0.00004 and 0.00003; gnomAD exomes 0.00004; TOPMed 0.00004; ExAC 0.00006.
gnomAD v4.1: 84 of 1,613,854 alleles (0.0052%); highest among the groups gnomAD compares: Non-Finnish European, 0.0068%; no homozygotes.

Submissions (6):

Labcorp Genetics (formerly Invitae), Labcorp
Classification: Likely benign for Osteogenesis imperfecta type I; Ehlers-Danlos syndrome, classic type, 1. Last evaluated: 2025-03-07. Review status: criteria provided, single submitter. Criteria: Invitae Variant Classification Sherloc (09022015). Collection method: clinical testing. Allele origin: germline.

Women's Health and Genetics/Laboratory Corporation of America, LabCorp
Classification: Likely benign. Last evaluated: 2024-12-06. Review status: criteria provided, single submitter. Criteria: LabCorp Variant Classification Summary - May 2015. Collection method: clinical testing. Allele origin: germline.

Ambry Genetics
Classification: Likely benign for Cardiovascular phenotype. Last evaluated: 2021-12-23. Review status: criteria provided, single submitter. Criteria: Ambry Variant Classification Scheme 2023. Collection method: clinical testing. Allele origin: germline.

GeneDx
Classification: Likely benign. Last evaluated: 2018-05-04. Review status: criteria provided, single submitter. Criteria: GeneDx Variant Classification (06012015). Collection method: clinical testing. Allele origin: germline. Affected: yes.
Comment: This variant is considered likely benign or benign based on one or more of the following criteria: it is a conservative change, it occurs at a poorly conserved position in the protein, it is predicted to be benign by multiple in silico algorithms, and/or has population frequency not consistent with disease.

Breakthrough Genomics
Classification: Likely benign. Review status: criteria provided, single submitter. Criteria: ACMG Guidelines, 2015. Collection method: not provided. Allele origin: germline. Inheritance: Autosomal recessive inheritance. Affected: yes.

PreventionGenetics, part of Exact Sciences
Classification: Likely benign for COL1A2-related condition. Last evaluated: 2022-09-07. Review status: no assertion criteria provided. Collection method: clinical testing. Allele origin: germline. Not counted in ClinVar's aggregate classification.
Comment: This variant is classified as likely benign based on ACMG/AMP sequence variant interpretation guidelines (Richards et al. 2015 PMID: 25741868, with internal and published modifications).